The following is an entry in ClinVar:

NM_001372.4(DNAH9):c.1405G>A (p.Gly469Ser)

Gene: DNAH9 (dynein axonemal heavy chain 9; plus strand). Cytogenetic location: 17p12.
Variant type: single nucleotide variant.
Coding change: c.1405G>A on transcript NM_001372.4 (MANE Select); coding-DNA position 1405, G replaced by A.
Protein change: p.Gly469Ser; replaces glycine 469 with serine.
Molecular consequence: missense variant.
Genome position (GRCh38, 1-based): chr17:11,629,471, G>A. VCF-style: chr17-11629471-G-A. GRCh37 (hg19) VCF-style: chr17-11532788-G-A.
Other names: short protein forms G469S.
Identifiers: ClinVar variation 2143423 (VCV002143423.2), dbSNP rs559139037, ClinGen allele CA8394838.
Genomic context (GRCh38, chr17:11,629,471, plus strand): 5'-CCATAGGGTCTTCTGAAGACGGCCCTGGATTTCCACAAACTGGGAAAGGTGGAGTTCAGC[G>A]GCGTCAGAGGGAATGCTCTGAGTCAGCAGGTCCAGCAAATGCATGAAGAATTTCAAGAGA-3'
Protein context (NP_001363.2, residues 459-479): FHKLGKVEFS[Gly469Ser]VRGNALSQQV

ClinVar aggregate classification (germline): Uncertain significance (1 of 4 stars; one submission).

Allele frequency attached by ClinVar (database versions not stated): TOPMed 0.00002; gnomAD 0.00003; gnomAD exomes 0.00004; ExAC 0.00010; 1000 Genomes Project 30x 0.00047; 1000 Genomes Project 0.00060.
gnomAD v4.1: 60 of 1,614,070 alleles (0.0037%); highest among the groups gnomAD compares: South Asian, 0.025%; no homozygotes.

Submission:

Labcorp Genetics (formerly Invitae), Labcorp
Classification: Uncertain significance. Last evaluated: 2025-10-08. Review status: criteria provided, single submitter. Criteria: Invitae Variant Classification Sherloc (09022015). Collection method: clinical testing. Allele origin: germline.
Comment: This sequence change replaces glycine, which is neutral and non-polar, with serine, which is neutral and polar, at codon 469 of the DNAH9 protein (p.Gly469Ser). This variant is present in population databases (rs559139037, gnomAD 0.06%). This variant has not been reported in the literature in individuals affected with DNAH9-related conditions. ClinVar contains an entry for this variant (Variation ID: 2143423). An algorithm developed to predict the effect of missense changes on protein structure and function (PolyPhen-2) suggests that this variant is likely to be disruptive. In summary, the available evidence is currently insufficient to determine the role of this variant in disease. Therefore, it has been classified as a Variant of Uncertain Significance.